The following is an entry in ClinVar:

ClinVar aggregate classification (germline): Likely pathogenic. Review status: criteria provided, single submitter (1 of 4 stars). 2 submissions from 2 submitters: Likely pathogenic (1). 1 of the submissions does not count toward it. Last evaluated 2024-03-03.

Conditions:
Tan-Almurshedi syndrome (TANALS). Identifiers: MedGen C5882727, MONDO:0957990, OMIM 620641.

Submissions (2):

SIB Swiss Institute of Bioinformatics
Classification: Likely pathogenic for Tan-Almurshedi syndrome. Last evaluated: 2024-03-03. Review status: criteria provided, single submitter. Criteria: ACMG Guidelines, 2015. Collection method: curation. Allele origin: unknown. Affected: yes.
Comment: This variant is interpreted for Tan-Almurshedi syndrome, autosomal recessive. The following ACMG Tag(s) were applied: Absent from controls (or at extremely low frequency if recessive) in gnomAD (PM2). Predicted nullvariant in a gene where LOF is a known mechanism of disease (PVS1-strong).

OMIM
Classification: Pathogenic for TAN-ALMURSHEDI SYNDROME. Last evaluated: 2023-12-07. Review status: no assertion criteria provided. Collection method: literature only. Allele origin: germline. Not counted in ClinVar's aggregate classification.

Literature cited by the submitters: PubMed 37179472 (cited by SIB Swiss Institute of Bioinformatics); Westrip, C. A. E., Paul, F., Al-Murshedi, F., Qaitoon, H., Cham, B., Fletcher, S. C., Hendrix, E., Boora, U., Ng, A. Y. J., Bonnard, C., Najafi, M., Alawbathani, S., Lambert, I., Fox, G., Venkatesh, B., Bertoli-Avella, A., Tan, E. S., Al-Maawali, A., Reversade, B., Coleman, M. L. Inactivation of DRG1, encoding a translation factor GTPase, causes a recessive neurodevelopmental disorder. Genet. Med. 25: 100893, 2023. (cited by OMIM).

NM_004147.4(DRG1):c.160G>T (p.Gly54Ter)

Gene: DRG1 (developmentally regulated GTP binding protein 1; plus strand). Cytogenetic location: 22q12.2.
Variant type: single nucleotide variant.
Coding change: c.160G>T on transcript NM_004147.4 (MANE Select); coding-DNA position 160, G replaced by T.
Protein change: p.Gly54Ter; replaces glycine 54 with a stop codon.
Molecular consequence: nonsense.
Genome position (GRCh38, 1-based): chr22:31,400,737, G>T. VCF-style: chr22-31400737-G-T. GRCh37 (hg19) VCF-style: chr22-31796723-G-T.
Other names: short protein forms G54*.
Identifiers: ClinVar variation 2664492 (VCV002664492.3), dbSNP rs2518503242, ClinGen allele CA411268060.